The following is an entry in ClinVar:

ClinVar aggregate classification (germline): Conflicting classifications of pathogenicity. Review status: criteria provided, conflicting classifications (1 of 4 stars). 22 submissions from 22 submitters: Uncertain significance (13); Likely benign (7). 2 of the submissions do not count toward it. Last evaluated 2026-07-16.

Conditions:
BARD1-related cancer predisposition. Identifiers: MedGen CN377756, MONDO:0700267.
BARD1-related disorder. Also called: BARD1-related condition.
Breast and/or ovarian cancer. Identifiers: MedGen CN221562.
Hereditary cancer-predisposing syndrome. Also called: Tumor predisposition; Hereditary neoplastic syndrome; Neoplastic Syndromes, Hereditary; Hereditary Cancer Syndrome. Identifiers: Orphanet 140162, MedGen C0027672, MeSH D009386, MONDO:0015356.
Familial cancer of breast. Also called: Hereditary breast cancer; hereditary breast carcinoma; BREAST CANCER, FAMILIAL. Identifiers: Orphanet 227535, MedGen C0346153, MONDO:0016419, OMIM 114480. Disease mechanism: loss of function.
Malignant tumor of breast. Also called: Malignant breast neoplasm; Cancer breast. Identifiers: MedGen C0006142, MONDO:0007254. Disease mechanism: loss of function.

Allele frequency attached by ClinVar (database versions not stated): ExAC 0.00014; 1000 Genomes Project 30x 0.00016; gnomAD exomes 0.00016 and 0.00019; 1000 Genomes Project 0.00020; TOPMed 0.00023; gnomAD 0.00024 and 0.00025; ESP Exome Variant Server 0.00038.
gnomAD v4.1: 304 of 1,591,834 alleles (0.019%); highest among the groups gnomAD compares: Non-Finnish European, 0.024%; no homozygotes.

Submissions 1 to 9 of 22:

PreventionGenetics, part of Exact Sciences
Classification: Uncertain significance for BARD1-related condition. Last evaluated: 2026-07-16. Review status: criteria provided, single submitter. Criteria: ACMG Guidelines, 2015. Collection method: clinical testing. Allele origin: germline.
Comment: The BARD1 c.668A>G variant is predicted to result in the amino acid substitution p.Glu223Gly. This variant has been identified in an individual with suspected Lynch syndrome (Table S2, Yurgelun et al. 2015. PubMed ID: 25980754). This variant was also identified in individuals with breast and/or ovarian cancer (Table A2, Tung et al. 2016. PubMed ID: 26976419; Table S9, Caminsky et al. 2016. PubMed ID: 26898890; Table S4, Bhai et al. 2021. PubMed ID: 34326862), endometrial cancer (Table S2, Ring et al. 2016. PubMed ID: 27443514), as well as in an individual with advanced cancer (type unspecified) (eTable, Mandelker et al. 2017. PubMed ID: 28873162). Functional studies suggest this variant results in homology directed repair activity similar to wild type (Adamovich et al. 2019. PubMed ID: 30925164). This variant has been observed with a minor allele frequency of up to 0.033% in a large population database, and is reported in ClinVar with interpretations ranging from likely benign to uncertain significance (Variation ID: 127743). Although we suspect that this variant may be benign, at this time, the clinical significance of this variant is uncertain due to the absence of conclusive functional and genetic evidence.

St. Jude Molecular Pathology, St. Jude Children's Research Hospital
Classification: Uncertain significance for Familial cancer of breast. Last evaluated: 2026-02-11. Review status: criteria provided, single submitter. Criteria: St. Jude Assertion Criteria 2020. Collection method: clinical testing. Allele origin: germline.
Comment: The BARD1 c.668A>G p.(Glu223Gly) missense change has a maximum subpopulation frequency of 0.03% in gnomAD v2.1.1. The in silico tool REVEL predicts a benign effect on protein function. In a homology-directed repair assay this variant behaved similar to wildtype (PMID: 30925164). To our knowledge, this variant has not been reported in individuals with BARD1-related disease. In summary, the evidence currently available is insufficient to determine the clinical significance of this variant. It has therefore been classified as of uncertain significance.

Labcorp Genetics (formerly Invitae), Labcorp
Classification: Uncertain significance for Familial cancer of breast. Last evaluated: 2026-02-01. Review status: criteria provided, single submitter. Criteria: Invitae Variant Classification Sherloc (09022015). Collection method: clinical testing. Allele origin: germline.
Comment: This sequence change replaces glutamic acid, which is acidic and polar, with glycine, which is neutral and non-polar, at codon 223 of the BARD1 protein (p.Glu223Gly). This variant is present in population databases (rs145009419, gnomAD 0.03%), and has an allele count higher than expected for a pathogenic variant. This missense change has been observed in individual(s) with breast cancer or clinical features of Lynch syndrome (PMID: 25186627, 25980754, 26976419). ClinVar contains an entry for this variant (Variation ID: 127743). An algorithm developed to predict the effect of missense changes on protein structure and function outputs the following: PolyPhen-2: "Benign". The glycine amino acid residue is found in multiple mammalian species, which suggests that this missense change does not adversely affect protein function. Experimental studies have shown that this missense change does not substantially affect BARD1 function (PMID: 30925164). RNA analysis performed to evaluate the impact of this missense change on mRNA splicing indicates it does not significantly alter splicing (internal data). In summary, the available evidence is currently insufficient to determine the role of this variant in disease. Therefore, it has been classified as a Variant of Uncertain Significance.

Women's Health and Genetics/Laboratory Corporation of America, LabCorp
Classification: Uncertain significance. Last evaluated: 2025-08-12. Review status: criteria provided, single submitter. Criteria: LabCorp Variant Classification Summary - May 2015. Collection method: clinical testing. Allele origin: germline.
Comment: Variant summary: BARD1 c.668A>G (p.Glu223Gly) results in a non-conservative amino acid change in the encoded protein sequence. Algorithms developed to predict the effect of missense changes on protein structure and function are either unavailable or do not agree on the potential impact of this missense change. The variant allele was found at a frequency of 0.00016 in 229148 control chromosomes. This frequency is not significantly higher than estimated for a pathogenic variant in BARD1 causing Hereditary Breast And Ovarian Cancer Syndrome (0.00016 vs 0.00025), allowing no conclusion about variant significance. The variant has also been found in 5/7325 European American women over the age of 70 with no personal history of cancer (FLOSSIES database). c.668A>G has been observed in individuals affected with suspected Lynch syndrome, breast cancer or endometrial cancer without strong evidence of causality (Tung_2015, Yurgelun_2015, Ring_2016). this variant has also been observed in individuals with family histories of Hereditary Breast And Ovarian Cancer (Caminsky_2016) or breast cancer (Dorling_2021). Co-occurrences with other pathogenic variant(s) have been reported (CHEK2 c.1100del , p.Thr367Metfs*15). Functional assays using homology directed repair of two non-functional GFP coding sequences showed the variant had similar HDR activity as wild-type BARD1, showing no damaging effect of this variant (Adamovich_2019). The following publications have been ascertained in the context of this evaluation (PMID: 25980754, 23056176, 25186627, 26898890, 27443514, 30925164, 33471991). ClinVar contains an entry for this variant (Variation ID: 127743). Based on the evidence outlined above, the variant was classified as uncertain significance.

Molecular Pathology, Peter Maccallum Cancer Centre
Classification: Uncertain significance for BARD1-related cancer predisposition. Last evaluated: 2025-03-19. Review status: criteria provided, single submitter. Criteria: ACMG Guidelines, 2015. Collection method: clinical testing. Allele origin: germline. Inheritance: Autosomal dominant inheritance.

Center for Genomic Medicine, Rigshospitalet, Copenhagen University Hospital
Classification: Uncertain significance. Last evaluated: 2025-03-04. Review status: criteria provided, single submitter. Criteria: ACMG Guidelines, 2015. Collection method: clinical testing. Allele origin: germline.

Color Diagnostics, LLC DBA Color Health
Classification: Likely benign for Hereditary cancer-predisposing syndrome. Last evaluated: 2024-09-19. Review status: criteria provided, single submitter. Criteria: ACMG Guidelines, 2015. Collection method: clinical testing. Allele origin: germline.

Blueprint Genetics
Classification: Likely benign. Last evaluated: 2024-09-12. Review status: criteria provided, single submitter. Criteria: ACMG Guidelines, 2015. Collection method: clinical testing. Allele origin: germline.

CeGaT Center for Human Genetics Tuebingen
Classification: Likely benign. Last evaluated: 2024-08-01. Review status: criteria provided, single submitter. Criteria: CeGaT Center For Human Genetics Tuebingen Variant Classification Criteria Version 2. Collection method: clinical testing. Allele origin: germline. Affected: yes. Observed: 1 variant allele.
Comment: BARD1: BP4, BS1:Supporting, BS3:Supporting

NM_000465.4(BARD1):c.668A>G (p.Glu223Gly)

Gene: BARD1 (BRCA1 associated RING domain 1; minus strand). Cytogenetic location: 2q35.
Variant type: single nucleotide variant.
Coding change: c.668A>G on transcript NM_000465.4 (MANE Select); coding-DNA position 668, A replaced by G.
Protein change: p.Glu223Gly; replaces glutamic acid 223 with glycine.
Molecular consequence: missense variant. On other transcripts: non-coding transcript variant (2), intron variant (3).
Genome position (GRCh38, 1-based): chr2:214,781,206, T>C on the plus strand (A>G on the coding strand, the complement: BARD1 is on the minus strand). VCF-style: chr2-214781206-T-C. GRCh37 (hg19) VCF-style: chr2-215645930-T-C.
Other names: p.E223G:GAA>GGA; c.611A>G, p.Glu204Gly (NM_001282543.2); c.158+28206A>G (NM_001282548.2); c.215+15855A>G (NM_001282545.2); c.364+11091A>G (NM_001282549.2); short protein forms E223G, E204G.
Identifiers: ClinVar variation 127743 (VCV000127743.59), dbSNP rs145009419, ClinGen allele CA287552.